The following is an entry in ClinVar:

ClinVar aggregate classification (germline): Conflicting classifications of pathogenicity. Review status: criteria provided, conflicting classifications (1 of 4 stars). 8 submissions from 6 submitters: Uncertain significance (2); Benign (2); Likely benign (3). 1 of the submissions does not count toward it. Last evaluated 2024-12-24.

Conditions:
TP63-related disorder. Also called: TP63-related condition; TP63-Related Disorders. Identifiers: MedGen CN380159.
Ectrodactyly, ectodermal dysplasia, and cleft lip-palate syndrome 3. Also called: Ectrodactyly, Ectodermal Dysplasia, Clefting Syndrome; Ectrodactyly, Ectodermal Dysplasia, Clefting Syndrome Type 3 (EEC3); Ectrodactyly, Ectodermal Dysplasia, Cleft Lip/Palate Syndrome 3 (EEC3); EEC SYNDROME 3. Identifiers: Orphanet 1896, MedGen C1858562, MONDO:0011428, OMIM 604292.
Orofacial cleft 8. Also called: Cleft lip with or without cleft palate, nonsyndromic, 8. Identifiers: MedGen C1851878, MONDO:0029145, OMIM 618149.
TP63-Related Spectrum Disorders.

Allele frequency attached by ClinVar (database versions not stated): ExAC 0.00018; gnomAD exomes 0.00025 and 0.00047; TOPMed 0.00030; gnomAD 0.00033 and 0.00034; ESP Exome Variant Server 0.00054.
gnomAD v4.1: 744 of 1,614,022 alleles (0.046%); highest among the groups gnomAD compares: Non-Finnish European, 0.058%; 1 homozygote.

Submissions (8):

Labcorp Genetics (formerly Invitae), Labcorp
Classification: Likely benign. Last evaluated: 2024-12-24. Review status: criteria provided, single submitter. Criteria: Invitae Variant Classification Sherloc (09022015). Collection method: clinical testing. Allele origin: germline.

Blueprint Genetics
Classification: Likely benign. Last evaluated: 2024-11-21. Review status: criteria provided, single submitter. Criteria: ACMG Guidelines, 2015. Collection method: clinical testing. Allele origin: germline.

CeGaT Center for Human Genetics Tuebingen
Classification: Likely benign. Last evaluated: 2023-02-01. Review status: criteria provided, single submitter. Criteria: CeGaT Center For Human Genetics Tuebingen Variant Classification Criteria Version 2. Collection method: clinical testing. Allele origin: germline. Affected: yes. Observed: 1 variant allele.
Comment: TP63: BP4, BP7

Illumina Laboratory Services, Illumina
Classification: Uncertain significance for Orofacial cleft 8. Last evaluated: 2018-01-13. Review status: criteria provided, single submitter. Criteria: ICSL Variant Classification Criteria 13 December 2019. Collection method: clinical testing. Allele origin: germline.

Illumina Laboratory Services, Illumina
Classification: Benign for Ectrodactyly, ectodermal dysplasia, and cleft lip-palate syndrome 3. Last evaluated: 2018-01-13. Review status: criteria provided, single submitter. Criteria: ICSL Variant Classification Criteria 13 December 2019. Collection method: clinical testing. Allele origin: germline.
Comment: This variant was observed in the ICSL laboratory as part of a predisposition screen in an ostensibly healthy population. It had not been previously curated by ICSL or reported in the Human Gene Mutation Database (HGMD: prior to June 1st, 2018), and was therefore a candidate for classification through an automated scoring system. Utilizing variant allele frequency, disease prevalence and penetrance estimates, and inheritance mode, an automated score was calculated to assess if this variant is too frequent to cause the disease. Based on the score and internal cut-off values, a variant classified as benign is not then subjected to further curation. The score for this variant resulted in a classification of benign for this disease.

Illumina Laboratory Services, Illumina
Classification: Benign for TP63-Related Spectrum Disorders. Last evaluated: 2018-01-13. Review status: criteria provided, single submitter. Criteria: ICSL Variant Classification Criteria 13 December 2019. Collection method: clinical testing. Allele origin: germline.
Comment: the same text as in the submission from Illumina Laboratory Services, Illumina above.

Eurofins Ntd Llc (ga)
Classification: Uncertain significance. Last evaluated: 2016-10-11. Review status: criteria provided, single submitter. Criteria: EGL Classification Definitions 2015. Collection method: clinical testing. Allele origin: germline. Observed: 1 variant allele, 1 heterozygote.

PreventionGenetics, part of Exact Sciences
Classification: Likely benign for TP63-related condition. Last evaluated: 2019-06-13. Review status: no assertion criteria provided. Collection method: clinical testing. Allele origin: germline. Not counted in ClinVar's aggregate classification.
Comment: This variant is classified as likely benign based on ACMG/AMP sequence variant interpretation guidelines (Richards et al. 2015 PMID: 25741868, with internal and published modifications).

NM_003722.5(TP63):c.678C>T (p.Arg226=)

Gene: TP63 (tumor protein p63; plus strand). Cytogenetic location: 3q28.
Variant type: single nucleotide variant.
Coding change: c.678C>T on transcript NM_003722.5 (MANE Select); coding-DNA position 678, C replaced by T.
Protein change: p.Arg226=; no amino-acid change (arginine 226 retained).
Molecular consequence: synonymous variant.
Genome position (GRCh38, 1-based): chr3:189,864,330, C>T. VCF-style: chr3-189864330-C-T. GRCh37 (hg19) VCF-style: chr3-189582119-C-T.
Other names: c.678C>T, p.Arg226= (NM_001114978.2, NM_001114979.2, NM_001329144.2 and 1 more transcripts); c.396C>T, p.Arg132= (NM_001114980.2, NM_001114981.2, NM_001114982.2 and 2 more transcripts); c.141C>T, p.Arg47= (NM_001329146.2, NM_001329150.2); c.672C>T, p.Arg224= (NM_001329964.2).
Identifiers: ClinVar variation 497709 (VCV000497709.42), dbSNP rs61732782, ClinGen allele CA2752226.